The following is an entry in ClinVar:

ClinVar aggregate classification (germline): Uncertain significance (1 of 4 stars; one submission).

Conditions:
Cardiovascular phenotype. Identifiers: MedGen CN230736.

Submission:

Ambry Genetics
Classification: Uncertain significance for Cardiovascular phenotype. Last evaluated: 2025-03-31. Review status: criteria provided, single submitter. Criteria: Ambry Variant Classification Scheme 2023. Collection method: clinical testing. Allele origin: germline.
Comment: The p.P839A variant (also known as c.2515C>G), located in coding exon 17 of the APOB gene, results from a C to G substitution at nucleotide position 2515. The proline at codon 839 is replaced by alanine, an amino acid with highly similar properties. This amino acid position is conserved. In addition, the in silico prediction for this alteration is inconclusive. Based on the available evidence, the clinical significance of this variant remains unclear.

NM_000384.3(APOB):c.2515C>G (p.Pro839Ala)

Gene: APOB (apolipoprotein B; minus strand). Cytogenetic location: 2p24.1.
Variant type: single nucleotide variant.
Coding change: c.2515C>G on transcript NM_000384.3 (MANE Select); coding-DNA position 2515, C replaced by G.
Protein change: p.Pro839Ala; replaces proline 839 with alanine.
Molecular consequence: missense variant.
Genome position (GRCh38, 1-based): chr2:21,023,614, G>C on the plus strand (C>G on the coding strand, the complement: APOB is on the minus strand). VCF-style: chr2-21023614-G-C. GRCh37 (hg19) VCF-style: chr2-21246486-G-C.
Other names: short protein forms P839A.
Identifiers: ClinVar variation 3932671 (VCV003932671.1).